The following is an entry in ClinVar:

ClinVar aggregate classification (germline): Uncertain significance (1 of 4 stars; one submission).

Conditions:
Adenylosuccinate lyase deficiency (ADSLD). Also called: ADSL DEFICIENCY. Identifiers: Orphanet 46, MedGen C0268126, MONDO:0007068, OMIM 103050.

Submission:

Labcorp Genetics (formerly Invitae), Labcorp
Classification: Uncertain significance for Adenylosuccinate lyase deficiency. Last evaluated: 2022-09-01. Review status: criteria provided, single submitter. Criteria: Invitae Variant Classification Sherloc (09022015). Collection method: clinical testing. Allele origin: germline.
Comment: In summary, the available evidence is currently insufficient to determine the role of this variant in disease. Therefore, it has been classified as a Variant of Uncertain Significance. Experimental studies and prediction algorithms are not available or were not evaluated, and the functional significance of this variant is currently unknown. This variant has not been reported in the literature in individuals affected with ADSL-related conditions. The frequency data for this variant in the population databases is considered unreliable, as metrics indicate insufficient coverage at this position in the gnomAD database. This variant occurs in a non-coding region of the ADSL gene. It does not change the encoded amino acid sequence of the ADSL protein.

NC_000022.11:g.40346116C>A

Gene: ADSL (adenylosuccinate lyase; plus strand). Cytogenetic location: 22q13.1.
Variant type: single nucleotide variant.
Genome position: GRCh38 VCF-style: chr22-40346116-C-A. GRCh37 (hg19) VCF-style: chr22-40742120-C-A.
Identifiers: ClinVar variation 1477864 (VCV001477864.7), dbSNP rs77895579, ClinGen allele CA324446572.